The following is an entry in ClinVar:

ClinVar aggregate classification (germline): Pathogenic (1 of 4 stars; one submission).

Conditions:
Neurodevelopmental disorder with or without early-onset generalized epilepsy. Identifiers: MedGen C5436914, MONDO:0030930, OMIM 619157.

Submission:

Women's Health and Genetics/Laboratory Corporation of America, LabCorp
Classification: Pathogenic for Neurodevelopmental disorder with or without early-onset generalized epilepsy. Last evaluated: 2025-11-12. Review status: criteria provided, single submitter. Criteria: LabCorp Variant Classification Summary - May 2015. Collection method: clinical testing. Allele origin: germline.
Comment: Variant summary: The variant involves the deletion of exons 2-48 in the NBEA gene. A presumed nomenclature of c.(294+1_295-1)_(7449+1_7450-1)del has been designated for the purposes of this classification. This Copy Number Variant (CNV) is predicted to result in an in-frame deletion within this gene. Loss-of-function variants in this gene are known to be pathogenic. The variant was absent in 21694 control chromosomes. To our knowledge, no occurrence of c.(294+1_295-1)_(7449+1_7450-1)del in individuals affected with NBEA-related conditions and no experimental evidence demonstrating its impact on protein function have been reported. However, variant(s) contained within the deleted region have been classified as likely pathogenic, indicating the critical relevance of exons 2-48 to NBEA function. No submitters have cited clinical-significance assessments for this variant to ClinVar. Based on the evidence outlined above, the variant was classified as pathogenic.

NC_000013.10:g.(35517252_35615069)_(36180716_36202217)del

Genes: MAB21L1 (mab-21 like 1; minus strand), NBEA (neurobeachin; plus strand). Cytogenetic location: 13q13.3.
Variant type: Deletion.
Identifiers: ClinVar variation 4536806 (VCV004536806.1).